The following continues an entry in ClinVar:

NM_000059.4(BRCA2):c.4222C>T (p.Gln1408Ter)

Gene: BRCA2. ClinVar aggregate classification (germline): Pathogenic. Pathogenic (1).

Submissions 11 to 16 of 16:

Women's Health and Genetics/Laboratory Corporation of America, LabCorp
Classification: Pathogenic for Hereditary breast and ovarian cancer syndrome. Last evaluated: 2020-08-31. Review status: criteria provided, single submitter. Criteria: LabCorp Variant Classification Summary - May 2015. Collection method: clinical testing. Allele origin: germline. Not counted in ClinVar's aggregate classification.
Comment: Variant summary: BRCA2 c.4222C>T (p.Gln1408X) results in a premature termination codon, predicted to cause a truncation of the encoded protein or absence of the protein due to nonsense mediated decay, which are commonly known mechanisms for disease. Truncations downstream of this position have been classified as pathogenic by our laboratory. The variant was absent in 240092 control chromosomes. c.4222C>T has been reported in the literature in multiple individuals affected with Hereditary Breast And Ovarian Cancer Syndrome (example, Bayraktar_2012, Miolo_2009, Rebbeck_2018). These data indicate that the variant is very likely to be associated with disease. To our knowledge, no experimental evidence demonstrating an impact on protein function has been reported. Six clinical diagnostic laboratories and one expert panel (ENIGMA) have submitted clinical-significance assessments for this variant to ClinVar after 2014 without evidence for independent evaluation. All laboratories classified the variant as pathogenic. Based on the evidence outlined above, the variant was classified as pathogenic.

Consortium of Investigators of Modifiers of BRCA1/2 (CIMBA), c/o University of Cambridge
Classification: Pathogenic for Breast-ovarian cancer, familial, susceptibility to, 2. Last evaluated: 2015-10-02. Review status: criteria provided, single submitter. Criteria: CIMBA Mutation Classification guidelines May 2016. Collection method: clinical testing. Allele origin: germline. Not counted in ClinVar's aggregate classification.

PreventionGenetics, part of Exact Sciences
Classification: Pathogenic for BRCA2-related condition. Last evaluated: 2023-12-04. Review status: no assertion criteria provided. Collection method: clinical testing. Allele origin: germline. Not counted in ClinVar's aggregate classification.
Comment: The BRCA2 c.4222C>T variant is predicted to result in premature protein termination (p.Gln1408*). This variant has been reported in an individual with ductal carcinoma in situ (Bayraktar et al. 2012. PubMed ID: 22009639), in an individual with ovarian cancer (Cardoso et al. 2018. PubMed ID: 30103829, Additional File 1), in an individual undergoing hereditary cancer testing (Palmero et al. 2018. PubMed ID: 29907814, Table 2), and is reported in multiple families from a BRCA1/2 consortium (Rebbeck et al. 2018. PubMed ID: 29446198, Table S1). This variant has not been reported in a large population database, indicating this variant is rare. It is interpreted as pathogenic in ClinVar. Nonsense variants in BRCA2 are expected to be pathogenic. This variant is interpreted as pathogenic.

Research Molecular Genetics Laboratory, Women's College Hospital, University of Toronto
Classification: Pathogenic for Hereditary breast ovarian cancer syndrome. Last evaluated: 2014-01-31. Review status: no assertion criteria provided. Collection method: research. Allele origin: germline. Affected: yes. Study: The Canadian Open Genetics Repository (COGR). Not counted in ClinVar's aggregate classification.

Sharing Clinical Reports Project (SCRP)
Classification: Pathogenic for Breast-ovarian cancer, familial 2. Last evaluated: 2010-03-16. Review status: no assertion criteria provided. Collection method: clinical testing. Allele origin: germline. Not counted in ClinVar's aggregate classification.

Breast Cancer Information Core (BIC) (BRCA2)
Classification: Pathogenic for Breast-ovarian cancer, familial 2. Last evaluated: 2003-12-23. Review status: no assertion criteria provided. Collection method: clinical testing. Allele origin: germline. Affected: yes. Observed: 4 variant alleles. Not counted in ClinVar's aggregate classification.

Literature cited by the submitters: PubMed 20104584 (cited by Labcorp Genetics (formerly Invitae), Labcorp and Quest Diagnostics Nichols Institute San Juan Capistrano); PubMed 19818148 (cited by 6 submitters); PubMed 22009639 (cited by 6 submitters); PubMed 34072659 (cited by Color Diagnostics, LLC DBA Color Health and All of Us Research Program, National Institutes of Health); PubMed 29446198 (cited by 4 submitters); PubMed 30103829 (cited by Ambry Genetics and Quest Diagnostics Nichols Institute San Juan Capistrano); PubMed 28888541 (cited by Quest Diagnostics Nichols Institute San Juan Capistrano); PubMed 29907814 (cited by Quest Diagnostics Nichols Institute San Juan Capistrano).